The following is an entry in ClinVar:

ClinVar aggregate classification (germline): Uncertain significance. Review status: criteria provided, multiple submitters, no conflicts (2 of 4 stars). 2 submissions from 2 submitters: Uncertain significance (2). Last evaluated 2024-02-14.

Conditions:
Epileptic encephalopathy. Identifiers: MedGen C0543888, HP:0200134.
Congenital myopathy 20 (CMYO20). Identifiers: MedGen C5830393, MONDO:0957215, OMIM 620310.

Allele frequency attached by ClinVar (database versions not stated): gnomAD exomes 0.00001; ExAC 0.00002; gnomAD 0.00001.
gnomAD v4.1: 13 of 1,593,358 alleles (0.00082%); highest among the groups gnomAD compares: Middle Eastern, 0.017%; no homozygotes.

Submissions (2):

Fulgent Genetics
Classification: Uncertain significance for Congenital myopathy 20. Last evaluated: 2024-02-14. Review status: criteria provided, single submitter. Criteria: ACMG Guidelines, 2015. Collection method: clinical testing. Allele origin: germline.

Labcorp Genetics (formerly Invitae), Labcorp
Classification: Uncertain significance for Epileptic encephalopathy. Last evaluated: 2021-08-24. Review status: criteria provided, single submitter. Criteria: Invitae Variant Classification Sherloc (09022015). Collection method: clinical testing. Allele origin: germline.
Comment: This sequence change replaces threonine with methionine at codon 1946 of the RYR3 protein (p.Thr1946Met). The threonine residue is moderately conserved and there is a moderate physicochemical difference between threonine and methionine. This variant is present in population databases (no rsID available, ExAC 0.01%). This variant has not been reported in the literature in individuals affected with RYR3-related conditions. Algorithms developed to predict the effect of missense changes on protein structure and function output the following: SIFT: "Tolerated"; PolyPhen-2: "Benign"; Align-GVGD: "Class C0". The methionine amino acid residue is found in multiple mammalian species, which suggests that this missense change does not adversely affect protein function. In summary, the available evidence is currently insufficient to determine the role of this variant in disease. Therefore, it has been classified as a Variant of Uncertain Significance.

NM_001036.6(RYR3):c.5837C>T (p.Thr1946Met)

Gene: RYR3 (ryanodine receptor 3; plus strand). Cytogenetic location: 15q14.
Variant type: single nucleotide variant.
Coding change: c.5837C>T on transcript NM_001036.6 (MANE Select); coding-DNA position 5837, C replaced by T.
Protein change: p.Thr1946Met; replaces threonine 1946 with methionine.
Molecular consequence: missense variant.
Genome position (GRCh38, 1-based): chr15:33,670,533, C>T. VCF-style: chr15-33670533-C-T. GRCh37 (hg19) VCF-style: chr15-33962734-C-T.
Other names: c.5837C>T, p.Thr1946Met (NM_001243996.4); short protein forms T1946M.
Identifiers: ClinVar variation 661221 (VCV000661221.4), dbSNP rs942287498, ClinGen allele CA7459360.